The following is an entry in ClinVar:

ClinVar aggregate classification (germline): Uncertain significance (1 of 4 stars; one submission).

Submission:

Women's Health and Genetics/Laboratory Corporation of America, LabCorp
Classification: Uncertain significance. Last evaluated: 2025-12-26. Review status: criteria provided, single submitter. Criteria: LabCorp Variant Classification Summary - May 2015. Collection method: clinical testing. Allele origin: germline.
Comment: Variant summary: CIC c.3281C>T (p.Ala1094Val) results in a non-conservative amino acid change in the encoded protein sequence. Algorithms developed to predict the effect of missense changes on protein structure and function are either unavailable or do not agree on the potential impact of this missense change. The variant was absent in 251178 control chromosomes. The available data on variant occurrences in the general population are insufficient to allow any conclusion about variant significance. To our knowledge, no occurrence of c.3281C>T in individuals affected with CIC-related conditions and no experimental evidence demonstrating its impact on protein function have been reported. No submitters have cited clinical-significance assessments for this variant to ClinVar. Based on the evidence outlined above, the variant was classified as uncertain significance.

NM_001386298.1(CIC):c.6008C>T (p.Ala2003Val)

Gene: CIC (capicua transcriptional repressor; plus strand). Cytogenetic location: 19q13.2.
Variant type: single nucleotide variant.
Coding change: c.6008C>T on transcript NM_001386298.1 (MANE Select); coding-DNA position 6008, C replaced by T.
Protein change: p.Ala2003Val; replaces alanine 2003 with valine.
Molecular consequence: missense variant.
Genome position (GRCh38, 1-based): chr19:42,292,671, C>T. VCF-style: chr19-42292671-C-T. GRCh37 (hg19) VCF-style: chr19-42796823-C-T.
Other names: c.6008C>T, p.Ala2003Val (NM_001439183.1, NM_001439184.1, NM_001439185.1 and 6 more transcripts); c.3281C>T, p.Ala1094Val (NM_001439189.1, NM_001439190.1, NM_001379484.1 and 2 more transcripts); c.3278C>T, p.Ala1093Val (NM_001439191.1); short protein forms A1093V, A1094V, A2003V.
Identifiers: ClinVar variation 4688772 (VCV004688772.1).
Genomic context (GRCh38, chr19:42,292,671, plus strand): 5'-CTGTGCCCAGTCCCCAGCTGCCGCCTGCCTGTGCAGCCCCCGGAGGTCCTGTCATAACAG[C>T]ATTTTACTCTGGCAGCCCTGCACCCACCTCCTCAGCACCCCTGGCCCAGCCATCCCAGGC-3'
Protein context (NP_001373227.1, residues 1993-2013): CAAPGGPVIT[Ala2003Val]FYSGSPAPTS